The following is an entry in ClinVar:

NM_001267550.2(TTN):c.52966G>A (p.Gly17656Arg)

Genes: TTN (titin; minus strand), TTN-AS1 (TTN antisense RNA 1; plus strand), LOC126806425 (BRD4-independent group 4 enhancer GRCh37_chr2:179471933-179473132; plus strand). Cytogenetic location: 2q31.2.
Variant type: single nucleotide variant.
Coding change: c.52966G>A on transcript NM_001267550.2 (MANE Select); coding-DNA position 52966, G replaced by A.
Protein change: p.Gly17656Arg; replaces glycine 17656 with arginine.
Molecular consequence: missense variant.
Genome position (GRCh38, 1-based): chr2:178,607,821, C>T on the plus strand (G>A on the coding strand, the complement: TTN is on the minus strand). VCF-style: chr2-178607821-C-T. GRCh37 (hg19) VCF-style: chr2-179472548-C-T.
Other names: c.48043G>A, p.Gly16015Arg (NM_001256850.1); c.25771G>A, p.Gly8591Arg (NM_003319.4); c.45262G>A, p.Gly15088Arg (NM_133378.4); c.26146G>A, p.Gly8716Arg (NM_133432.3); c.26347G>A, p.Gly8783Arg (NM_133437.4); short protein forms G17656R, G8591R, G15088R, G16015R, G8716R, G8783R.
Identifiers: ClinVar variation 518727 (VCV000518727.8), dbSNP rs1269389543, ClinGen allele CA349569354.

ClinVar aggregate classification (germline): Uncertain significance. Review status: criteria provided, single submitter (1 of 4 stars). 3 submissions from 3 submitters: Uncertain significance (1). 2 of the submissions do not count toward it. Last evaluated 2017-10-19.

Conditions:
Cardiovascular phenotype. Identifiers: MedGen CN230736.

Allele frequency attached by ClinVar (database versions not stated): gnomAD 0.00001; gnomAD exomes 0.00001; TOPMed 0.00002.
gnomAD v4.1: 10 of 1,612,840 alleles (0.00062%); highest among the groups gnomAD compares: Non-Finnish European, 0.00085%; no homozygotes.

Submissions (3):

Ambry Genetics
Classification: Uncertain significance for Cardiovascular phenotype. Last evaluated: 2017-10-19. Review status: criteria provided, single submitter. Criteria: Ambry Variant Classification Scheme 2023. Collection method: clinical testing. Allele origin: germline.
Comment: The p.G8591R variant (also known as c.25771G>A), located in coding exon 103 of the TTN gene, results from a G to A substitution at nucleotide position 25771. The glycine at codon 8591 is replaced by arginine, an amino acid with dissimilar properties. This amino acid position is highly conserved in available vertebrate species. In addition, the in silico prediction for this alteration is inconclusive. Since supporting evidence is limited at this time, the clinical significance of this alteration remains unclear.

Clinical Genetics DNA and cytogenetics Diagnostics Lab, Erasmus MC, Erasmus Medical Center
Classification: Uncertain significance. Review status: no assertion criteria provided. Collection method: clinical testing. Allele origin: germline. Affected: yes. Study: VKGL Data-share Consensus. Not counted in ClinVar's aggregate classification.

Joint Genome Diagnostic Labs from Nijmegen and Maastricht, Radboudumc and MUMC+
Classification: Uncertain significance. Review status: no assertion criteria provided. Collection method: clinical testing. Allele origin: germline. Affected: yes. Study: VKGL Data-share Consensus. Not counted in ClinVar's aggregate classification.